The following is an entry in ClinVar:

NM_005562.3(LAMC2):c.134_137del (p.Arg45fs)

Gene: LAMC2 (laminin subunit gamma 2; plus strand). Cytogenetic location: 1q25.3.
Variant type: Deletion.
Coding change: c.134_137del on transcript NM_005562.3 (MANE Select); coding-DNA positions 134 to 137, 4 bases deleted (GACA; older notation c.134_137delGACA).
Protein change: p.Arg45fs; shifts the reading frame from arginine 45.
Molecular consequence: frameshift variant.
Genome position (GRCh38, 1-based): chr1:183,207,935-183,207,938, GACA deleted; deleting any 4 consecutive bases within chr1:183,207,932-183,207,938 gives the same sequence; the c. name uses the placement nearest the transcript's 3' end. VCF-style (leftmost placement, unchanged base first): chr1-183207931-CACAG-C. GRCh37 (hg19) VCF-style: chr1-183177066-CACAG-C.
Other names: c.134_137del, p.Arg45fs (NM_018891.3); c.134_137del (NM_005562.2); short protein forms R45fs.
Identifiers: ClinVar variation 370838 (VCV000370838.12), dbSNP rs1057516806, ClinGen allele CA16040674.

ClinVar aggregate classification (germline): Pathogenic/Likely pathogenic. Review status: criteria provided, multiple submitters, no conflicts (2 of 4 stars). 3 submissions from 3 submitters: Pathogenic (1); Likely pathogenic (1). 1 of the submissions does not count toward it. Last evaluated 2023-07-17.

Conditions:
Epidermolysis bullosa, junctional 3A, intermediate. Also called: EPIDERMOLYSIS BULLOSA, JUNCTIONAL 3A, GENERALIZED INTERMEDIATE; EPIDERMOLYSIS BULLOSA, JUNCTIONAL 3A, NON-HERLITZ TYPE. Identifiers: MedGen C5676938, MONDO:0030748, OMIM 619785.
Epidermolysis bullosa, junctional 3B, severe. Also called: EPIDERMOLYSIS BULLOSA, JUNCTIONAL 3B, GENERALIZED SEVERE; EPIDERMOLYSIS BULLOSA, JUNCTIONAL 3B, HERLITZ TYPE. Identifiers: MedGen C5676939, MONDO:0030749, OMIM 619786.
Junctional epidermolysis bullosa gravis of Herlitz. Also called: Epidermolysis Bullosa Letalis; Herlitz-type junctional epidermolysis bullosa; EPIDERMOLYSIS BULLOSA, JUNCTIONAL 1B, SEVERE; EPIDERMOLYSIS BULLOSA JUNCTIONALIS, HERLITZ TYPE; EPIDERMOLYSIS BULLOSA, JUNCTIONAL, HERLITZ-PEARSON TYPE; JEB-HERLITZ TYPE. Identifiers: Orphanet 79404, MedGen C0079683, MONDO:0009182, OMIM 226700.

Submissions (3):

Labcorp Genetics (formerly Invitae), Labcorp
Classification: Pathogenic. Last evaluated: 2023-07-17. Review status: criteria provided, single submitter. Criteria: Invitae Variant Classification Sherloc (09022015). Collection method: clinical testing. Allele origin: germline.
Comment: For these reasons, this variant has been classified as Pathogenic. Algorithms developed to predict the effect of sequence changes on RNA splicing suggest that this variant may disrupt the consensus splice site. ClinVar contains an entry for this variant (Variation ID: 370838). This variant has not been reported in the literature in individuals affected with LAMC2-related conditions. This variant is present in population databases (no rsID available, gnomAD 0.0009%). This sequence change creates a premature translational stop signal (p.Arg45Lysfs*63) in the LAMC2 gene. It is expected to result in an absent or disrupted protein product. Loss-of-function variants in LAMC2 are known to be pathogenic (PMID: 11907499, 16473856).

Molecular Genetics Department, Kulakov National Medical Research Center for Obstetrics, Gynecology and Perinatology
Classification: Likely pathogenic for Epidermolysis bullosa, junctional 3A, intermediate; Epidermolysis bullosa, junctional 3B, severe. Review status: criteria provided, single submitter. Criteria: ACMG Guidelines, 2015. Collection method: clinical testing. Allele origin: germline. Affected: yes. Observed: 1 variant allele.
Comment: A previously undescribed homozygous nucleotide variant creates a frameshift p.Arg45LysfsTer63 in the LAMC2 gene. Homozygous and compound heterozygous variants are reported in patients with epidermolysis bullosa, junctional 3A, intermediate, 619785; Epidermolysis bullosa, junctional 3B, severe, 619786. The variant frequency in population database gnomAD is 0.00031%. In summary, the currently available evidence indicates that the variant is pathogenic, but additional data are needed to prove that conclusively. Therefore, this variant has been classified as likely pathogenic.

Counsyl
Classification: Likely pathogenic for Junctional epidermolysis bullosa gravis of Herlitz. Last evaluated: 2016-04-22. Review status: no assertion criteria provided. Collection method: clinical testing. Allele origin: unknown. Not counted in ClinVar's aggregate classification.

Literature cited by the submitters: PubMed 11907499 (cited by Labcorp Genetics (formerly Invitae), Labcorp); PubMed 16473856 (cited by Labcorp Genetics (formerly Invitae), Labcorp).